The following is an entry in ClinVar:

NM_000441.2(SLC26A4):c.1920G>A (p.Trp640Ter)

Gene: SLC26A4 (solute carrier family 26 member 4; plus strand). Cytogenetic location: 7q22.3.
Variant type: single nucleotide variant.
Coding change: c.1920G>A on transcript NM_000441.2 (MANE Select); coding-DNA position 1920, G replaced by A.
Protein change: p.Trp640Ter; replaces tryptophan 640 with a stop codon.
Molecular consequence: nonsense.
Genome position (GRCh38, 1-based): chr7:107,701,943, G>A. VCF-style: chr7-107701943-G-A. GRCh37 (hg19) VCF-style: chr7-107342388-G-A.
Other names: short protein forms W640*.
Identifiers: ClinVar variation 189017 (VCV000189017.19), dbSNP rs368119540, ClinGen allele CA274264.

ClinVar aggregate classification (germline): Pathogenic/Likely pathogenic. Review status: criteria provided, multiple submitters, no conflicts (2 of 4 stars). 6 submissions from 6 submitters: Pathogenic (4); Likely pathogenic (1). 1 of the submissions does not count toward it. Last evaluated 2025-11-03.

Conditions:
Pendred syndrome (PDS). Also called: Pendred's syndrome; DEAFNESS WITH GOITER; GOITER-DEAFNESS SYNDROME; HYPOTHYROIDISM, CONGENITAL, DUE TO DYSHORMONOGENESIS, 2B; Pendred Syndrome (PDS); THYROID DYSHORMONOGENESIS 2B. Identifiers: Orphanet 705, MedGen C0271829, MONDO:0010134, OMIM 274600.
Autosomal recessive nonsyndromic hearing loss 4 (DFNB4). Also called: Enlarged vestibular aqueduct, digenic; Nonsyndromic enlarged vestibular aqueduct (NSEVA); Deafness, autosomal recessive 4, with enlarged vestibular aqueduct; FOXI1-Related Pendred Syndrome; KCNJ10-Related Pendred Syndrome; DEAFNESS, AUTOSOMAL RECESSIVE 4, WITH ENLARGED VESTIBULAR AQUEDUCT, DIGENIC. Identifiers: Orphanet 90636, MedGen C3538946, MONDO:0010933, OMIM 600791.

Allele frequency attached by ClinVar (database versions not stated): gnomAD 0.00002; TOPMed 0.00002.
gnomAD v4.1: 7 of 1,612,724 alleles (0.00043%); highest among the groups gnomAD compares: African/African-American, 0.0067%; no homozygotes.

Submissions (6):

Natera, Inc.
Classification: Pathogenic for Pendred syndrome. Last evaluated: 2025-11-03. Review status: criteria provided, single submitter. Criteria: Natera Variant Classification Schema (03/2026). Collection method: clinical testing. Allele origin: germline.
Comment: The c.1920G>A variant in SLC26A4 is a nonsense variant predicted to introduce a stop codon at amino acid 640. This variant is expected to result in nonsense mediated decay, truncation, or a dysfunctional protein product. This variant is rare in the general population with a frequency below the threshold expected for the associated phenotype(s). This variant has been observed in one or more individuals affected with the associated recessive disease, as either homozygous or compound heterozygous with a second variant (PMID: 25394566). Given the available evidence, this variant is classified as Pathogenic.

Baylor Genetics
Classification: Pathogenic for Autosomal recessive nonsyndromic hearing loss 4. Last evaluated: 2024-02-29. Review status: criteria provided, single submitter. Criteria: ACMG Guidelines, 2015. Collection method: clinical testing. Allele origin: unknown.

Fulgent Genetics
Classification: Likely pathogenic for Pendred syndrome; Autosomal recessive nonsyndromic hearing loss 4. Last evaluated: 2024-02-16. Review status: criteria provided, single submitter. Criteria: ACMG Guidelines, 2015. Collection method: clinical testing. Allele origin: germline.

Labcorp Genetics (formerly Invitae), Labcorp
Classification: Pathogenic. Last evaluated: 2023-05-02. Review status: criteria provided, single submitter. Criteria: Invitae Variant Classification Sherloc (09022015). Collection method: clinical testing. Allele origin: germline.
Comment: For these reasons, this variant has been classified as Pathogenic. ClinVar contains an entry for this variant (Variation ID: 189017). This premature translational stop signal has been observed in individual(s) with clinical features of Pendred syndrome (PMID: 22412181, 25394566). This variant is present in population databases (rs368119540, gnomAD 0.01%). This sequence change creates a premature translational stop signal (p.Trp640*) in the SLC26A4 gene. It is expected to result in an absent or disrupted protein product. Loss-of-function variants in SLC26A4 are known to be pathogenic (PMID: 16283880, 25394566, 26252218, 26445815).

Genome-Nilou Lab
Classification: Pathogenic for Pendred syndrome. Last evaluated: 2021-09-05. Review status: criteria provided, single submitter. Criteria: ACMG Guidelines, 2015. Collection method: clinical testing. Allele origin: germline. Affected: no.

Counsyl
Classification: Likely pathogenic for Pendred's syndrome. Last evaluated: 2014-10-15. Review status: no assertion criteria provided. Collection method: literature only. Allele origin: unknown. Inheritance: Autosomal recessive inheritance. Not counted in ClinVar's aggregate classification.

Literature cited by the submitters: PubMed 25394566 (cited by Natera, Inc. and Labcorp Genetics (formerly Invitae), Labcorp); PubMed 22412181 (cited by Labcorp Genetics (formerly Invitae), Labcorp and Counsyl); PubMed 16283880 (cited by Labcorp Genetics (formerly Invitae), Labcorp); PubMed 26252218 (cited by Labcorp Genetics (formerly Invitae), Labcorp); PubMed 26445815 (cited by Labcorp Genetics (formerly Invitae), Labcorp).